The following is an entry in ClinVar:

NM_000059.4(BRCA2):c.583T>G (p.Ser195Ala)

Gene: BRCA2 (BRCA2 DNA repair associated; plus strand). Cytogenetic location: 13q13.1.
Variant type: single nucleotide variant.
Coding change: c.583T>G on transcript NM_000059.4 (MANE Select); coding-DNA position 583, T replaced by G.
Protein change: p.Ser195Ala; replaces serine 195 with alanine.
Molecular consequence: missense variant.
Genome position (GRCh38, 1-based): chr13:32,326,565, T>G. VCF-style: chr13-32326565-T-G. GRCh37 (hg19) VCF-style: chr13-32900702-T-G.
Other names: short protein forms S195A.
Identifiers: ClinVar variation 1022367 (VCV001022367.9), dbSNP rs2072350335, ClinGen allele CA387758076.

ClinVar aggregate classification (germline): Uncertain significance (1 of 4 stars; one submission).

Conditions:
Hereditary breast ovarian cancer syndrome. Also called: Breast and ovarian cancer; Hereditary breast and ovarian cancer syndrome (HBOC); Hereditary breast and ovarian cancer; Hereditary breast and/or ovarian cancer syndrome; BRCA1- and BRCA2-Associated Hereditary Breast and Ovarian Cancer; Hereditary breast and ovarian cancer syndrome. Identifiers: Orphanet 145, MedGen C0677776, MeSH D061325, MONDO:0003582. Disease mechanism: loss of function.

Submission:

Labcorp Genetics (formerly Invitae), Labcorp
Classification: Uncertain significance for Hereditary breast ovarian cancer syndrome. Last evaluated: 2020-05-13. Review status: criteria provided, single submitter. Criteria: Invitae Variant Classification Sherloc (09022015). Collection method: clinical testing. Allele origin: germline.
Comment: Algorithms developed to predict the effect of missense changes on protein structure and function are either unavailable or do not agree on the potential impact of this missense change (SIFT: "Deleterious"; PolyPhen-2: "Probably Damaging"; Align-GVGD: "Class C0"). In summary, the available evidence is currently insufficient to determine the role of this variant in disease. Therefore, it has been classified as a Variant of Uncertain Significance. This sequence change replaces serine with alanine at codon 195 of the BRCA2 protein (p.Ser195Ala). The serine residue is moderately conserved and there is a moderate physicochemical difference between serine and alanine. This variant is not present in population databases (ExAC no frequency). This variant has not been reported in the literature in individuals with BRCA2-related conditions.